The following is an entry in ClinVar:

NM_002749.4(MAPK7):c.886G>A (p.Ala296Thr)

Gene: MAPK7 (mitogen-activated protein kinase 7; plus strand). Cytogenetic location: 17p11.2.
Variant type: single nucleotide variant.
Coding change: c.886G>A on transcript NM_002749.4 (MANE Select); coding-DNA position 886, G replaced by A.
Protein change: p.Ala296Thr; replaces alanine 296 with threonine.
Molecular consequence: missense variant.
Genome position (GRCh38, 1-based): chr17:19,381,095, G>A. VCF-style: chr17-19381095-G-A. GRCh37 (hg19) VCF-style: chr17-19284408-G-A.
Other names: c.469G>A, p.Ala157Thr (NM_139032.3); c.886G>A, p.Ala296Thr (NM_139033.3, NM_139034.3); short protein forms A296T, A157T.
Identifiers: ClinVar variation 427639 (VCV000427639.3), dbSNP rs147296805, ClinGen allele CA8440687.

ClinVar aggregate classification (germline): Pathogenic. Review status: no assertion criteria provided (0 of 4 stars). 2 submissions from 2 submitters: Pathogenic (2). Last evaluated 2025-01-01.

Conditions:
Scoliosis, isolated, susceptibility to, 1 (IS1). Also called: ADOLESCENT ISOLATED SCOLIOSIS. Identifiers: MedGen C2700406, MONDO:0008419, OMIM 181800.
Type 2 diabetes mellitus. Also called: Type II diabetes mellitus. Identifiers: MedGen C0011860, MeSH D003924, MONDO:0005148, OMIM 125853, HP:0005978.

Allele frequency attached by ClinVar (database versions not stated): ESP Exome Variant Server 0.00008; gnomAD 0.00015 and 0.00026; TOPMed 0.00028; 1000 Genomes Project 30x 0.00125; 1000 Genomes Project 0.00140.

Submissions (2):

Gene Friend Way, National Innovation Center
Classification: Pathogenic for Type 2 diabetes mellitus. Last evaluated: 2025-01-01. Review status: no assertion criteria provided. Collection method: clinical testing. Allele origin: unknown. Affected: yes. Observed: 2 variant alleles.
Comment: MAPK7 involved in various aspects of diabetes and related pathologies, including impaired insulin signaling, cardiovascular complications, and pancreatic function (PMID: 25861671).

Shenzhen Key Laboratory of Neurogenomics, Beijing Genomics Institute Research, Beijing Genomics Institute
Classification: Pathogenic for Scoliosis, isolated, susceptibility to, 1. Review status: no assertion criteria provided. Collection method: case-control, in vivo. Allele origin: germline, not applicable. Inheritance: Autosomal dominant inheritance. Affected: yes.

Literature cited by the submitters: PubMed 25861671 (cited by Gene Friend Way, National Innovation Center); PubMed 28714182 (cited by Shenzhen Key Laboratory of Neurogenomics, Beijing Genomics Institute Research, Beijing Genomics Institute).